The following is an entry in ClinVar:

ClinVar aggregate classification (germline): Pathogenic (1 of 4 stars; one submission).

Submission:

CeGaT Center for Human Genetics Tuebingen
Classification: Pathogenic. Last evaluated: 2022-10-01. Review status: criteria provided, single submitter. Criteria: CeGaT Center For Human Genetics Tuebingen Variant Classification Criteria Version 2. Collection method: clinical testing. Allele origin: germline. Affected: yes. Observed: 1 variant allele.
Comment: KCNQ1: PVS1, PM2

NM_000218.3(KCNQ1):c.1225del (p.Ser409fs)

Gene: KCNQ1 (potassium voltage-gated channel subfamily Q member 1; plus strand). Cytogenetic location: 11p15.5.
Variant type: Deletion.
Coding change: c.1225del on transcript NM_000218.3 (MANE Select); coding-DNA position 1225, one base deleted (A; older notation c.1225delA).
Protein change: p.Ser409fs; shifts the reading frame from serine 409.
Molecular consequence: frameshift variant.
Genome position (GRCh38, 1-based): chr11:2,587,666, A deleted. VCF-style (leftmost placement, unchanged base first): chr11-2587665-CA-C. GRCh37 (hg19) VCF-style: chr11-2608895-CA-C.
Other names: c.1129delA, p.Ser377Alafs (NM_001406836.1); c.955delA, p.Ser319Alafs (NM_001406837.1); c.685delA, p.Ser229Alafs (NM_001406838.1); c.844delA, p.Ser282Alafs (NM_181798.2); short protein forms S282fs, S409fs.
Identifiers: ClinVar variation 1879152 (VCV001879152.29), dbSNP rs2493705755, ClinGen allele CA2580082622.